The following is an entry in ClinVar:

ClinVar aggregate classification (germline): Uncertain significance (1 of 4 stars; one submission).

Submission:

Labcorp Genetics (formerly Invitae), Labcorp
Classification: Uncertain significance. Last evaluated: 2022-08-23. Review status: criteria provided, single submitter. Criteria: Invitae Variant Classification Sherloc (09022015). Collection method: clinical testing. Allele origin: germline.
Comment: In summary, the available evidence is currently insufficient to determine the role of this variant in disease. Therefore, it has been classified as a Variant of Uncertain Significance. Algorithms developed to predict the effect of missense changes on protein structure and function are either unavailable or do not agree on the potential impact of this missense change (SIFT: "Tolerated"; PolyPhen-2: "Not Available"; Align-GVGD: "Class C0"). This variant has not been reported in the literature in individuals affected with PCLO-related conditions. This variant is not present in population databases (gnomAD no frequency). This sequence change replaces glutamic acid, which is acidic and polar, with lysine, which is basic and polar, at codon 1834 of the PCLO protein (p.Glu1834Lys).

NM_033026.6(PCLO):c.5500G>A (p.Glu1834Lys)

Gene: PCLO (piccolo presynaptic cytomatrix protein; minus strand). Cytogenetic location: 7q21.11.
Variant type: single nucleotide variant.
Coding change: c.5500G>A on transcript NM_033026.6 (MANE Select); coding-DNA position 5500, G replaced by A.
Protein change: p.Glu1834Lys; replaces glutamic acid 1834 with lysine.
Molecular consequence: missense variant.
Genome position (GRCh38, 1-based): chr7:82,955,453, C>T on the plus strand (G>A on the coding strand, the complement: PCLO is on the minus strand). VCF-style: chr7-82955453-C-T. GRCh37 (hg19) VCF-style: chr7-82584769-C-T.
Other names: c.5500G>A, p.Glu1834Lys (NM_014510.3); short protein forms E1834K.
Identifiers: ClinVar variation 1717888 (VCV001717888.5), dbSNP rs2535706809, ClinGen allele CA367924067.
Genomic context (GRCh38, chr7:82,955,453, plus strand): 5'-ATCTATGGAGCTCCTCCATTTCTGCAGCCTGACGTAACTCTTCTGTCGGAGATGCATCTT[C>T]AATGGGAGAGAGATTACTAGGTGGTGTCTTTGGCCTTTCCCTTCTTCTCTGAGCTCGAAG-3'
Protein context (NP_149015.2, residues 1824-1844): KTPPSNLSPI[Glu1834Lys]DASPTEELRQ